The following is an entry in ClinVar:

NM_001367561.1(DOCK7):c.3637A>G (p.Ile1213Val)

Gene: DOCK7 (dedicator of cytokinesis 7; minus strand). Cytogenetic location: 1p31.3.
Variant type: single nucleotide variant.
Coding change: c.3637A>G on transcript NM_001367561.1 (MANE Select); coding-DNA position 3637, A replaced by G.
Protein change: p.Ile1213Val; replaces isoleucine 1213 with valine.
Molecular consequence: missense variant.
Genome position (GRCh38, 1-based): chr1:62,529,421, T>C on the plus strand (A>G on the coding strand, the complement: DOCK7 is on the minus strand). VCF-style: chr1-62529421-T-C. GRCh37 (hg19) VCF-style: chr1-62995092-T-C.
Other names: c.3637A>G, p.Ile1213Val (NM_001271999.2, NM_001330614.2); c.3544A>G, p.Ile1182Val (NM_001272000.2, NM_001272001.2, NM_033407.4); short protein forms I1213V, I1182V.
Identifiers: ClinVar variation 1385597 (VCV001385597.6), dbSNP rs2149373122, ClinGen allele CA340601333.

ClinVar aggregate classification (germline): Uncertain significance (1 of 4 stars; one submission).

Conditions:
Developmental and epileptic encephalopathy, 23 (DEE23). Also called: Epileptic encephalopathy, early infantile, 23. Identifiers: Orphanet 411986, MedGen C4014492, MONDO:0014371, OMIM 615859.

Submission:

Labcorp Genetics (formerly Invitae), Labcorp
Classification: Uncertain significance for Developmental and epileptic encephalopathy, 23. Last evaluated: 2024-02-17. Review status: criteria provided, single submitter. Criteria: Invitae Variant Classification Sherloc (09022015). Collection method: clinical testing. Allele origin: germline.
Comment: This sequence change replaces isoleucine, which is neutral and non-polar, with valine, which is neutral and non-polar, at codon 1213 of the DOCK7 protein (p.Ile1213Val). This variant is not present in population databases (gnomAD no frequency). This variant has not been reported in the literature in individuals affected with DOCK7-related conditions. ClinVar contains an entry for this variant (Variation ID: 1385597). An algorithm developed to predict the effect of missense changes on protein structure and function (PolyPhen-2) suggests that this variant is likely to be tolerated. In summary, the available evidence is currently insufficient to determine the role of this variant in disease. Therefore, it has been classified as a Variant of Uncertain Significance.